The following is an entry in ClinVar:

ClinVar aggregate classification (germline): Uncertain significance (1 of 4 stars; one submission).

gnomAD v4.1: 3 of 1,613,940 alleles (0.00019%); highest among the groups gnomAD compares: Non-Finnish European, 0.00025%; no homozygotes.

Submission:

Ambry Genetics
Classification: Uncertain significance. Last evaluated: 2025-03-23. Review status: criteria provided, single submitter. Criteria: Ambry Variant Classification Scheme 2023. Collection method: clinical testing. Allele origin: germline.
Comment: The c.639+4C>T intronic variant results from a C to T substitution 4 nucleotides after coding exon 2 in the PALLD gene. This nucleotide position is not well conserved in available vertebrate species. In silico splice site analysis predicts that this alteration will not have any significant effect on splicing. The evidence for this gene-disease relationship is limited; therefore, the clinical significance of this alteration is unclear.

NM_001166108.2(PALLD):c.2100+4C>T

Gene: PALLD (palladin, cytoskeletal associated protein; plus strand). Cytogenetic location: 4q32.3.
Variant type: single nucleotide variant.
Coding change: c.2100+4C>T on transcript NM_001166108.2 (MANE Select); 4 bases into the intron after coding-DNA position 2100, C replaced by T.
Molecular consequence: intron variant.
Genome position (GRCh38, 1-based): chr4:168,891,061, C>T. VCF-style: chr4-168891061-C-T. GRCh37 (hg19) VCF-style: chr4-169812212-C-T.
Other names: c.2100+4C>T (NM_016081.4); c.954+4C>T (NM_001166109.2); c.639+4C>T (NM_001166110.2); c.-22+4C>T (NM_001367570.1, NM_001367568.1, NM_001367567.1 and 1 more transcripts).
Identifiers: ClinVar variation 3927502 (VCV003927502.1).